The following is an entry in ClinVar:

NM_004333.6(BRAF):c.2128-4G>T

Gene: BRAF (B-Raf proto-oncogene, serine/threonine kinase; minus strand). Cytogenetic location: 7q34.
Variant type: single nucleotide variant.
Coding change: c.2128-4G>T on transcript NM_004333.6 (MANE Select); 4 bases into the intron before coding-DNA position 2128, G replaced by T.
Molecular consequence: intron variant.
Genome position (GRCh38, 1-based): chr7:140,734,774, C>A on the plus strand (G>T on the coding strand, the complement: BRAF is on the minus strand). VCF-style: chr7-140734774-C-A. GRCh37 (hg19) VCF-style: chr7-140434574-C-A.
Other names: c.2127+5038G>T (NM_001378474.1, NM_001378468.1); c.2026-4G>T (NM_001378470.1); c.1864-4G>T (NM_001378475.1); c.2017-4G>T (NM_001378471.1); c.2128-4G>T (NM_001354609.2); c.2248-4G>T (NM_001374258.1, NM_001374244.1); c.2137-4G>T (NM_001378467.1); c.1972-4G>T (NM_001378472.1, NM_001378473.1); and 1 more.
Identifiers: ClinVar variation 377569 (VCV000377569.26), dbSNP rs956143558, ClinGen allele CA4516532.

ClinVar aggregate classification (germline): Conflicting classifications of pathogenicity. Review status: criteria provided, conflicting classifications (1 of 4 stars). 7 submissions from 7 submitters: Uncertain significance (1); Benign (2); Likely benign (3). 1 of the submissions does not count toward it. Last evaluated 2025-12-08.

Conditions:
BRAF-related disorder. Also called: BRAF-related condition.
RASopathy. Also called: rasopathies; Noonan spectrum disorder. Identifiers: Orphanet 536391, MedGen C5555857, MONDO:0021060.
Intellectual disability. Also called: Intellectual functioning disability; Intellectual developmental disorder; intellectual disabilities. Identifiers: MedGen C3714756, MeSH D008607, MONDO:0001071, HP:0001249.
Noonan syndrome and Noonan-related syndrome. Identifiers: Orphanet 98733, MedGen C5681679, MONDO:0020297.

Allele frequency attached by ClinVar (database versions not stated): ExAC 0.00034.

Submissions (10):

Labcorp Genetics (formerly Invitae), Labcorp
Classification: Likely benign for RASopathy. Last evaluated: 2025-12-08. Review status: criteria provided, single submitter. Criteria: Invitae Variant Classification Sherloc (09022015). Collection method: clinical testing. Allele origin: germline.

Cambridge Genomics Laboratory, East Genomic Laboratory Hub, NHS Genomic Medicine Service
Classification: Uncertain significance for Intellectual disability. Last evaluated: 2019-09-05. Review status: criteria provided, single submitter. Criteria: ACGS Best Practice Guidelines for Variant Classification in Rare Disease 2020. Collection method: clinical testing. Allele origin: germline. Affected: yes. Observed: 1 variant allele.

ARUP Laboratories, Molecular Genetics and Genomics, ARUP Laboratories
Classification: Benign. Last evaluated: 2018-07-03. Review status: criteria provided, single submitter. Criteria: ARUP Molecular Germline Variant Investigation Process. Collection method: clinical testing. Allele origin: germline.

Genome Diagnostics Laboratory, The Hospital for Sick Children
Classification: Likely benign for Noonan syndrome and Noonan-related syndrome. Last evaluated: 2016-12-12. Review status: criteria provided, single submitter. Criteria: ACMG Guidelines, 2015. Collection method: clinical testing. Allele origin: germline.

GeneDx
Classification: Benign. Last evaluated: 2015-09-14. Review status: criteria provided, single submitter. Criteria: GeneDx Variant Classification (06012015). Collection method: clinical testing. Allele origin: germline. Affected: yes.
Comment: This variant is considered likely benign or benign based on one or more of the following criteria: it is a conservative change, it occurs at a poorly conserved position in the protein, it is predicted to be benign by multiple in silico algorithms, and/or has population frequency not consistent with disease.

Breakthrough Genomics
Classification: Likely benign. Review status: criteria provided, single submitter. Criteria: ACMG Guidelines, 2015. Collection method: not provided. Allele origin: germline. Inheritance: Autosomal dominant inheritance. Affected: yes.

PreventionGenetics, part of Exact Sciences
Classification: Likely benign for BRAF-related condition. Last evaluated: 2024-04-24. Review status: no assertion criteria provided. Collection method: clinical testing. Allele origin: germline. Not counted in ClinVar's aggregate classification.
Comment: This variant is classified as likely benign based on ACMG/AMP sequence variant interpretation guidelines (Richards et al. 2015 PMID: 25741868, with internal and published modifications).

Dr. Peter K. Rogan Lab, Western University
No classification provided (evidence only). Condition: Acute myeloid leukemia. Review status: no classification provided. Collection method: in vitro. Allele origin: not applicable. Functional consequence: retained intron. Not counted in ClinVar's aggregate classification.

Dr. Peter K. Rogan Lab, Western University
No classification provided (evidence only). Condition: Cervical cancer. Review status: no classification provided. Collection method: in vitro. Allele origin: not applicable. Functional consequence: retained intron. Not counted in ClinVar's aggregate classification.

Dr. Peter K. Rogan Lab, Western University
No classification provided (evidence only). Condition: Malignant tumor of esophagus. Review status: no classification provided. Collection method: in vitro. Allele origin: not applicable. Functional consequence: retained intron. Not counted in ClinVar's aggregate classification.